The following is an entry in ClinVar:

NM_006070.6(TFG):c.1145C>T (p.Ala382Val)

Gene: TFG (trafficking from ER to golgi regulator; plus strand). Cytogenetic location: 3q12.2.
Variant type: single nucleotide variant.
Coding change: c.1145C>T on transcript NM_006070.6 (MANE Select); coding-DNA position 1145, C replaced by T.
Protein change: p.Ala382Val; replaces alanine 382 with valine.
Molecular consequence: missense variant.
Genome position (GRCh38, 1-based): chr3:100,748,473, C>T. VCF-style: chr3-100748473-C-T. GRCh37 (hg19) VCF-style: chr3-100467317-C-T.
Other names: p.Ala382Val; c.1145C>T, p.Ala382Val (NM_001007565.2, NM_001195478.2); c.1133C>T, p.Ala378Val (NM_001195479.2); short protein forms A382V, A378V.
Identifiers: ClinVar variation 534744 (VCV000534744.8), dbSNP rs138185005, ClinGen allele CA2517258.

ClinVar aggregate classification (germline): Uncertain significance. Review status: criteria provided, multiple submitters, no conflicts (2 of 4 stars). 2 submissions from 2 submitters: Uncertain significance (2). Last evaluated 2024-11-11.

Conditions:
Hereditary spastic paraplegia 57. Also called: Spastic paraplegia 57, autosomal recessive. Identifiers: Orphanet 431329, MedGen C3714897, MONDO:0014295, OMIM 615658.
Hereditary motor and sensory neuropathy, Okinawa type (HMSNO). Also called: HEREDITARY MOTOR AND SENSORY NEUROPATHY, PROXIMAL TYPE. Identifiers: Orphanet 90117, MedGen C1858338, MONDO:0011468, OMIM 604484.

Allele frequency attached by ClinVar (database versions not stated): gnomAD exomes 0.00004 and 0.00007; gnomAD 0.00006 and 0.00007; TOPMed 0.00006; ExAC 0.00008; ESP Exome Variant Server 0.00008; 1000 Genomes Project 0.00020; 1000 Genomes Project 30x 0.00031.
gnomAD v4.1: 63 of 1,614,050 alleles (0.0039%); highest among the groups gnomAD compares: African/African-American, 0.017%; no homozygotes.

Submissions (2):

Labcorp Genetics (formerly Invitae), Labcorp
Classification: Uncertain significance for Hereditary motor and sensory neuropathy, Okinawa type; Hereditary spastic paraplegia 57. Last evaluated: 2024-11-11. Review status: criteria provided, single submitter. Criteria: Invitae Variant Classification Sherloc (09022015). Collection method: clinical testing. Allele origin: germline.
Comment: This sequence change replaces alanine, which is neutral and non-polar, with valine, which is neutral and non-polar, at codon 382 of the TFG protein (p.Ala382Val). This variant is present in population databases (rs138185005, gnomAD 0.03%). This variant has not been reported in the literature in individuals affected with TFG-related conditions. ClinVar contains an entry for this variant (Variation ID: 534744). Invitae Evidence Modeling of protein sequence and biophysical properties (such as structural, functional, and spatial information, amino acid conservation, physicochemical variation, residue mobility, and thermodynamic stability) indicates that this missense variant is not expected to disrupt TFG protein function with a negative predictive value of 80%. In summary, the available evidence is currently insufficient to determine the role of this variant in disease. Therefore, it has been classified as a Variant of Uncertain Significance.

Mayo Clinic Laboratories, Mayo Clinic
Classification: Uncertain significance. Last evaluated: 2024-06-07. Review status: criteria provided, single submitter. Criteria: ACMG Guidelines, 2015. Collection method: clinical testing. Allele origin: germline. Observed: 1 variant allele.
Comment: BP4

Literature cited by the submitters: PubMed 35642252 (cited by Mayo Clinic Laboratories, Mayo Clinic).